The following is an entry in ClinVar:

ClinVar aggregate classification (germline): Uncertain significance. Review status: criteria provided, multiple submitters, no conflicts (2 of 4 stars). 4 submissions from 4 submitters: Uncertain significance (2). 2 of the submissions do not count toward it. Last evaluated 2024-10-10.

Conditions:
Alpha-1-antitrypsin deficiency (A1ATD). Also called: AAT deficiency; A1AT deficiency; Alpha1-Antitrypsin Deficiency. Identifiers: Orphanet 60, MedGen C0221757, MONDO:0013282, OMIM 613490.
PI W(BETHESDA).

Allele frequency attached by ClinVar (database versions not stated): gnomAD 0.00001; TOPMed 0.00002.

Submissions (4):

GeneDx
Classification: Uncertain significance. Last evaluated: 2024-10-10. Review status: criteria provided, single submitter. Criteria: GeneDx Variant Classification Process June 2021. Collection method: clinical testing. Allele origin: germline. Affected: yes.
Comment: Reported in a family with decreased serum alpha-1-antitrypsin levels (PMID: 2390072); Published functional studies indicated a defect in alpha-1-antitrypsin biosynthesis; however, further functional data is needed to confirm a damaging effect (PMID: 2390072); In silico analysis supports that this missense variant has a deleterious effect on protein structure/function; This variant is associated with the following publications: (PMID: 34426522, 29882371, 36367950, 2390072, 23776367, 34408833, 2240842, 2185272)

Eurofins Ntd Llc (ga)
Classification: Uncertain significance. Last evaluated: 2018-08-28. Review status: criteria provided, single submitter. Criteria: EGL ClinVar v180209 classification definitions. Collection method: clinical testing. Allele origin: germline. Observed: 1 variant allele, 1 heterozygote.

OMIM
Classification: other for PI W(BETHESDA). Last evaluated: 2016-07-15. Review status: no assertion criteria provided. Collection method: literature only. Allele origin: germline. Not counted in ClinVar's aggregate classification.

Department of Laboratory Medicine and Genetics, Trillium Health Partners Credit Valley Hospital
Classification: Pathogenic for Alpha-1-antitrypsin deficiency. Last evaluated: 2014-12-08. Review status: no assertion criteria provided. Collection method: curation. Allele origin: germline. Affected: yes. Not counted in ClinVar's aggregate classification.
Comment: Reduced enzyme activity

Rare deficiency allele in cis with c.710T>C

Literature cited by the submitters: PubMed 2185272 (cited by OMIM); PubMed 2240842 (cited by OMIM); PubMed 2390072 (cited by Department of Laboratory Medicine and Genetics, Trillium Health Partners Credit Valley Hospital).

NM_000295.4(SERPINA1):c.1078G>A (p.Ala360Thr)

Gene: SERPINA1 (serpin family A member 1; minus strand). Cytogenetic location: 14q32.13.
Variant type: single nucleotide variant.
Coding change: c.1078G>A on transcript NM_000295.4; coding-DNA position 1078, G replaced by A.
Protein change: p.Ala360Thr; replaces alanine 360 with threonine.
Molecular consequence: missense variant (on NM_000295.5).
Genome position (GRCh38, 1-based): chr14:94,378,628, C>T on the plus strand (G>A on the coding strand, the complement: SERPINA1 is on the minus strand). VCF-style: chr14-94378628-C-T. GRCh37 (hg19) VCF-style: chr14-94844965-C-T.
Other names: A336T; SERPINA1, ALA336THR ON M1A; c.1078G>A, p.Ala360Thr (NM_000295.5, NM_001002235.3, NM_001002236.3 and 8 more transcripts); short protein forms A360T.
Identifiers: ClinVar variation 17985 (VCV000017985.8), dbSNP rs1802959, ClinGen allele CA127731.